The following is an entry in ClinVar:

NM_001079843.3(CASZ1):c.5276C>T (p.Pro1759Leu)

Gene: CASZ1 (castor zinc finger 1; minus strand). Cytogenetic location: 1p36.22.
Variant type: single nucleotide variant.
Coding change: c.5276C>T on transcript NM_001079843.3 (MANE Select); coding-DNA position 5276, C replaced by T.
Protein change: p.Pro1759Leu; replaces proline 1759 with leucine.
Molecular consequence: missense variant.
Genome position (GRCh38, 1-based): chr1:10,638,946, G>A on the plus strand (C>T on the coding strand, the complement: CASZ1 is on the minus strand). VCF-style: chr1-10638946-G-A. GRCh37 (hg19) VCF-style: chr1-10699003-G-A.
Other names: short protein forms P1759L.
Identifiers: ClinVar variation 1390320 (VCV001390320.6), dbSNP rs2124660428, ClinGen allele CA338342611.
Genomic context (GRCh38, chr1:10,638,946, plus strand): 5'-GGCGCCGCTCCCGAGGCCGAGGCCGAGGCCGCCGCCAGGGCCACCCGCGGGCGCCGCTAG[G>A]GCGAGGAGGCTGCAGTGGGCGCGGGGCCGGGGGCGCCCAGGGCCGCCAGCGCCGCCAAGG-3'
Protein context (NP_001073312.1, residues 1749-1759): PGPAPTAASS[Pro1759Leu]

ClinVar aggregate classification (germline): Uncertain significance (1 of 4 stars; one submission).

Allele frequency attached by ClinVar (database versions not stated): gnomAD exomes below 0.00001.
gnomAD v4.1: 2 of 980,774 alleles (0.0002%); highest among the groups gnomAD compares: Middle Eastern, 0.052%; no homozygotes.

Submission:

Labcorp Genetics (formerly Invitae), Labcorp
Classification: Uncertain significance. Last evaluated: 2021-10-31. Review status: criteria provided, single submitter. Criteria: Invitae Variant Classification Sherloc (09022015). Collection method: clinical testing. Allele origin: germline.
Comment: This sequence change replaces proline, which is neutral and non-polar, with leucine, which is neutral and non-polar, at codon 1759 of the CASZ1 protein (p.Pro1759Leu). The frequency data for this variant in the population databases is considered unreliable, as metrics indicate insufficient coverage at this position in the gnomAD database. This variant has not been reported in the literature in individuals affected with CASZ1-related conditions. Algorithms developed to predict the effect of missense changes on protein structure and function are either unavailable or do not agree on the potential impact of this missense change (SIFT: "Deleterious"; PolyPhen-2: "Benign"; Align-GVGD: "Class C0"). In summary, the available evidence is currently insufficient to determine the role of this variant in disease. Therefore, it has been classified as a Variant of Uncertain Significance.